The following is an entry in ClinVar:

ClinVar aggregate classification (germline): Pathogenic (1 of 4 stars; one submission).

Submission:

CeGaT Center for Human Genetics Tuebingen
Classification: Pathogenic. Last evaluated: 2023-05-01. Review status: criteria provided, single submitter. Criteria: CeGaT Center For Human Genetics Tuebingen Variant Classification Criteria Version 2. Collection method: clinical testing. Allele origin: germline. Affected: yes. Observed: 1 variant allele.
Comment: LRBA: PVS1, PM2

NM_001364905.1(LRBA):c.839del (p.Lys280fs)

Gene: LRBA (LPS responsive beige-like anchor protein; minus strand). Cytogenetic location: 4q31.3.
Variant type: Deletion.
Coding change: c.839del on transcript NM_001364905.1 (MANE Select); coding-DNA position 839, one base deleted (A; older notation c.839delA).
Protein change: p.Lys280fs; shifts the reading frame from lysine 280.
Molecular consequence: frameshift variant.
Genome position (GRCh38, 1-based): chr4:150,916,456, T deleted on the plus strand (A on the coding strand, the reverse complement: LRBA is on the minus strand); the first of 3 consecutive T bases (chr4:150,916,456-150,916,458); deleting any one gives the same sequence. VCF-style (leftmost placement, unchanged base first): chr4-150916455-CT-C. GRCh37 (hg19) VCF-style: chr4-151837607-CT-C.
Other names: c.837delA, p.Lys280Serfs (NM_001199282.3, NM_006726.5); c.839del, p.Lys280fs (NM_001367550.1); short protein forms K280fs.
Identifiers: ClinVar variation 444642 (VCV000444642.43), dbSNP rs1553998602, ClinGen allele CA658653771.